The following is an entry in ClinVar:

NM_003998.4(NFKB1):c.1260C>A (p.Phe420Leu)

Gene: NFKB1 (nuclear factor kappa B subunit 1; plus strand). Cytogenetic location: 4q24.
Variant type: single nucleotide variant.
Coding change: c.1260C>A on transcript NM_003998.4 (MANE Select); coding-DNA position 1260, C replaced by A.
Protein change: p.Phe420Leu; replaces phenylalanine 420 with leucine.
Molecular consequence: missense variant.
Genome position (GRCh38, 1-based): chr4:102,594,941, C>A. VCF-style: chr4-102594941-C-A. GRCh37 (hg19) VCF-style: chr4-103516098-C-A.
Other names: c.1257C>A, p.Phe419Leu (NM_001165412.2, NM_001319226.2, NM_001382627.1); c.1260C>A, p.Phe420Leu (NM_001382625.1, NM_001382626.1); c.1218C>A, p.Phe406Leu (NM_001382628.1); short protein forms F406L, F419L, F420L.
Identifiers: ClinVar variation 2808162 (VCV002808162.3), dbSNP rs2476492190, ClinGen allele CA357750697.

ClinVar aggregate classification (germline): Uncertain significance (1 of 4 stars; one submission).

Allele frequency attached by ClinVar (database versions not stated): gnomAD exomes below 0.00001.
gnomAD v4.1: 2 of 1,611,364 alleles (0.00012%); highest among the groups gnomAD compares: Middle Eastern, 0.033%; no homozygotes.

Submission:

Labcorp Genetics (formerly Invitae), Labcorp
Classification: Uncertain significance. Last evaluated: 2025-04-17. Review status: criteria provided, single submitter. Criteria: Invitae Variant Classification Sherloc (09022015). Collection method: clinical testing. Allele origin: germline.
Comment: This sequence change replaces phenylalanine, which is neutral and non-polar, with leucine, which is neutral and non-polar, at codon 420 of the NFKB1 protein (p.Phe420Leu). This variant is not present in population databases (gnomAD no frequency). This variant has not been reported in the literature in individuals affected with NFKB1-related conditions. ClinVar contains an entry for this variant (Variation ID: 2808162). Invitae Evidence Modeling of protein sequence and biophysical properties (such as structural, functional, and spatial information, amino acid conservation, physicochemical variation, residue mobility, and thermodynamic stability) indicates that this missense variant is not expected to disrupt NFKB1 protein function with a negative predictive value of 80%. In summary, the available evidence is currently insufficient to determine the role of this variant in disease. Therefore, it has been classified as a Variant of Uncertain Significance.